The following is an entry in ClinVar:

NM_003036.4(SKI):c.923A>G (p.Lys308Arg)

Gene: SKI (SKI proto-oncogene; plus strand). Cytogenetic location: 1p36.33.
Variant type: single nucleotide variant.
Coding change: c.923A>G on transcript NM_003036.4 (MANE Select); coding-DNA position 923, A replaced by G.
Protein change: p.Lys308Arg; replaces lysine 308 with arginine.
Molecular consequence: missense variant.
Genome position (GRCh38, 1-based): chr1:2,229,689, A>G. VCF-style: chr1-2229689-A-G. GRCh37 (hg19) VCF-style: chr1-2161128-A-G.
Other names: short protein forms K308R.
Identifiers: ClinVar variation 532223 (VCV000532223.8), dbSNP rs1276404635, ClinGen allele CA337956450.

ClinVar aggregate classification (germline): Uncertain significance (1 of 4 stars; one submission).

Conditions:
Shprintzen-Goldberg syndrome (SGS). Also called: SHPRINTZEN-GOLDBERG CRANIOSYNOSTOSIS SYNDROME; CRANIOSYNOSTOSIS WITH ARACHNODACTYLY AND ABDOMINAL HERNIAS; Marfanoid disorder with craniosynostosis type 1; Marfanoid craniosynostosis syndrome; Shprintzen-Goldberg marfanoid syndrome. Identifiers: Orphanet 2462, MedGen C1321551, MONDO:0008426, OMIM 182212.

Allele frequency attached by ClinVar (database versions not stated): gnomAD 0.00001; gnomAD exomes below 0.00001; TOPMed below 0.00001.
gnomAD v4.1: 3 of 1,600,528 alleles (0.00019%); highest among the groups gnomAD compares: Non-Finnish European, 0.00017%; no homozygotes.

Submission:

Labcorp Genetics (formerly Invitae), Labcorp
Classification: Uncertain significance for Shprintzen-Goldberg syndrome. Last evaluated: 2022-11-06. Review status: criteria provided, single submitter. Criteria: Invitae Variant Classification Sherloc (09022015). Collection method: clinical testing. Allele origin: germline.
Comment: In summary, the available evidence is currently insufficient to determine the role of this variant in disease. Therefore, it has been classified as a Variant of Uncertain Significance. Advanced modeling of protein sequence and biophysical properties (such as structural, functional, and spatial information, amino acid conservation, physicochemical variation, residue mobility, and thermodynamic stability) performed at Invitae indicates that this missense variant is expected to disrupt SKI protein function. ClinVar contains an entry for this variant (Variation ID: 532223). This variant has not been reported in the literature in individuals affected with SKI-related conditions. This variant is not present in population databases (gnomAD no frequency). This sequence change replaces lysine, which is basic and polar, with arginine, which is basic and polar, at codon 308 of the SKI protein (p.Lys308Arg).